The following is an entry in ClinVar:

NM_000533.5(PLP1):c.26G>C (p.Arg9Thr)

Genes: PLP1 (proteolipid protein 1; plus strand), RAB9B (RAB9B, member RAS oncogene family; minus strand). Cytogenetic location: Xq22.2.
Variant type: single nucleotide variant.
Coding change: c.26G>C on transcript NM_000533.5 (MANE Select); coding-DNA position 26, G replaced by C.
Protein change: p.Arg9Thr; replaces arginine 9 with threonine.
Molecular consequence: missense variant. On other transcripts: intron variant (1).
Genome position (GRCh38, 1-based): chrX:103,785,603, G>C. VCF-style: chrX-103785603-G-C. GRCh37 (hg19) VCF-style: chrX-103040532-G-C.
Other names: c.26G>C, p.Arg9Thr (NM_001128834.3, NM_199478.3); c.5-144G>C (NM_001305004.1); short protein forms R9T.
Identifiers: ClinVar variation 3894553 (VCV003894553.1).

ClinVar aggregate classification (germline): Uncertain significance (1 of 4 stars; one submission).

Conditions:
Hereditary spastic paraplegia 2 (SPG2). Also called: SPASTIC PARAPLEGIA 2, X-LINKED; Spastic Paraplegia 2 (SPG2). Identifiers: Orphanet 99015, MedGen C0751604, MONDO:0010733, OMIM 312920.

gnomAD v4.1: 1 of 1,210,784 alleles (0.000083%); highest among the groups gnomAD compares: Non-Finnish European, 0.00011%; no homozygotes.

Submission:

MVZ Medizinische Genetik Mainz
Classification: Uncertain significance for Hereditary spastic paraplegia 2. Last evaluated: 2025-03-21. Review status: criteria provided, single submitter. Criteria: UK Practice Guidelines For Variant Classification V4 01 2020. Collection method: clinical testing. Allele origin: germline. Inheritance: X-linked dominant inheritance. Affected: yes. Observed: 1 variant allele.
Comment: ACMG Criteria: PP3_MOD,PM2_SUP,PP2